The following is an entry in ClinVar:

NM_001378414.1(HDAC4):c.2870-88T>C

Gene: HDAC4 (histone deacetylase 4; minus strand). Cytogenetic location: 2q37.3.
Variant type: single nucleotide variant.
Coding change: c.2870-88T>C on transcript NM_001378414.1 (MANE Select); 88 bases into the intron before coding-DNA position 2870, T replaced by C.
Molecular consequence: intron variant.
Genome position (GRCh38, 1-based): chr2:239,066,943, A>G on the plus strand (T>C on the coding strand, the complement: HDAC4 is on the minus strand). VCF-style: chr2-239066943-A-G. GRCh37 (hg19) VCF-style: chr2-239988639-A-G.
Other names: c.2855-88T>C (NM_001378417.1, NM_001378416.1, NM_006037.4); c.2870-88T>C (NM_001378415.1).
Identifiers: ClinVar variation 2652067 (VCV002652067.24), dbSNP rs201711231, ClinGen allele CA2199149.

ClinVar aggregate classification (germline): Likely benign (1 of 4 stars; one submission).

Allele frequency attached by ClinVar (database versions not stated): TOPMed 0.00232; 1000 Genomes Project 0.00260; 1000 Genomes Project 30x 0.00265; gnomAD 0.00315; ExAC 0.00743.
gnomAD v4.1: 6,333 of 1,511,404 alleles (0.42%); highest among the groups gnomAD compares: South Asian, 0.68%; 26 homozygotes.

Submission:

CeGaT Center for Human Genetics Tuebingen
Classification: Likely benign. Last evaluated: 2023-06-01. Review status: criteria provided, single submitter. Criteria: CeGaT Center For Human Genetics Tuebingen Variant Classification Criteria Version 2. Collection method: clinical testing. Allele origin: germline. Affected: yes. Observed: 11 variant alleles.
Comment: HDAC4: BS2